The following is an entry in ClinVar:

NM_015047.3(EMC1):c.715G>C (p.Asp239His)

Genes: EMC1 (ER membrane protein complex subunit 1; minus strand), EMC1-AS1 (EMC1 antisense RNA 1; plus strand). Cytogenetic location: 1p36.13.
Variant type: single nucleotide variant.
Coding change: c.715G>C on transcript NM_015047.3 (MANE Select); coding-DNA position 715, G replaced by C.
Protein change: p.Asp239His; replaces aspartic acid 239 with histidine.
Molecular consequence: missense variant. On other transcripts: non-coding transcript variant (1).
Genome position (GRCh38, 1-based): chr1:19,240,368, C>G on the plus strand (G>C on the coding strand, the complement: EMC1 is on the minus strand). VCF-style: chr1-19240368-C-G. GRCh37 (hg19) VCF-style: chr1-19566862-C-G.
Other names: c.715G>C, p.Asp239His (NM_001271427.2, NM_001271428.2, NM_001375820.1 and 1 more transcripts); c.649G>C, p.Asp217His (NM_001271429.2); short protein forms D239H, D217H.
Identifiers: ClinVar variation 4775815 (VCV004775815.1).
Genomic context (GRCh38, chr1:19,240,368, plus strand): 5'-TCTGTCTCAACTCCCATTCCGTCTCCAGAGCCAAAGTTTGGAGGGAACGTGAGCTCGGGT[C>G]AGGACACACCAGGACAGCCTCATCCACCACACCACAGGCTCCAGACAGGTGCTGCAGCCA-3'
Protein context (NP_055862.1, residues 229-249): VVDEAVLVCP[Asp239His]PSSRSLQTLA

ClinVar aggregate classification (germline): Uncertain significance (1 of 4 stars; one submission).

Submission:

Labcorp Genetics (formerly Invitae), Labcorp
Classification: Uncertain significance. Last evaluated: 2025-05-22. Review status: criteria provided, single submitter. Criteria: Invitae Variant Classification Sherloc (09022015). Collection method: clinical testing. Allele origin: germline.
Comment: This sequence change replaces aspartic acid, which is acidic and polar, with histidine, which is basic and polar, at codon 239 of the EMC1 protein (p.Asp239His). This variant is not present in population databases (gnomAD no frequency). This variant has not been reported in the literature in individuals affected with EMC1-related conditions. Invitae Evidence Modeling of protein sequence and biophysical properties (such as structural, functional, and spatial information, amino acid conservation, physicochemical variation, residue mobility, and thermodynamic stability) has been performed for this missense variant. However, the output from this modeling did not meet the statistical confidence thresholds required to predict the impact of this variant on EMC1 protein function. In summary, the available evidence is currently insufficient to determine the role of this variant in disease. Therefore, it has been classified as a Variant of Uncertain Significance.